The following is an entry in ClinVar:

ClinVar aggregate classification (germline): Likely benign. Review status: reviewed by expert panel (3 of 4 stars). 4 submissions from 4 submitters: Likely benign (1). 3 of the submissions do not count toward it. Last evaluated 2023-08-22.

Conditions:
Mitochondrial disease. Also called: Mitochondrial disorders; Mitochondrial disorder. Identifiers: Orphanet 68380, MedGen C0751651, MeSH D028361, MONDO:0044970.
Leigh syndrome (NULS). Also called: Leigh's necrotizing encephalopathy; Leigh's syndrome; Leigh Disease; Leigh's disease; Leigh Syndrome (mtDNA deletion); LEIGH SYNDROME, NUCLEAR. Identifiers: Orphanet 506, MedGen C2931891, MONDO:0009723, OMIM 256000.
MELAS syndrome (MELAS). Also called: Juvenile myopathy, encephalopathy, lactic acidosis, stroke. Identifiers: Orphanet 550, MedGen C0162671, MONDO:0010789, OMIM 540000.

Submissions (4):

ClinGen Mitochondrial Disease Nuclear and Mitochondrial  Variant Curation Expert Panel, ClinGen
Classification: Likely benign for Mitochondrial disease. Last evaluated: 2023-08-22. Review status: reviewed by expert panel. Criteria: McCormick et al. (Hum Mutat. 2020). Collection method: curation. Allele origin: germline. Inheritance: Mitochondrial inheritance.
Comment: The m.13528A>G (p.T398A) variant in MT-ND5 gene has been reported in six unrelated families to date. The proband in one of these families was subsequently found to have a homozygous pathogenic variant in POLG (PMID: 17940288, BP5). Four other probands had features consistent with primary mitochondrial disease however comprehensive analysis of other genetic etiologies was not performed. Three of these individuals had with features consistent with Leber Hereditary Optic Neuropathy (LHON; PMIDs: 11102991, 22589247). The fourth proband had features consistent with Leigh syndrome spectrum disorder (PMID: 19103152). There is also a report of a family with several siblings with autism spectrum disorder having this variant (PMID: 28419775). However, while this variant is present in these families, it is present at fairly high frequency in the general population. The frequency in the MITOMAP GenBank sequences is 75/61,168 (0.123%). The frequency in the Helix dataset is 516/195,983 (0.263%) homoplasmic occurrences in addition to four heteroplasmic occurrences. The frequency in gnomAD v3.1.2 is 118/56,421 (0.209%) homoplasmic occurrences in addition to three heteroplasmic occurrences. In all three population databases, this variant is seen in individuals from different haplogroups. Cybrid studies support a deleterious effect however it is not clear if this effect is related to the variant or other factors such as mitochondrial DNA content and/or haplogroup effects (PMIDs: 17940288, 22589247). The computational predictor APOGEE gives a consensus rating of neutral with a score of 0.45 (Min=0, Max=1), which predicts no damaging effect on gene function (BP4). In summary, this variant meets criteria to be classified as likely benign for primary mitochondrial disease inherited in a mitochondrial manner. We note that two experts on this panel felt uncertain significance was a more appropriate classification given the cybrid studies however the majority (four) agreed with likely benign. This classification was approved by the NICHD/NINDS U24 ClinGen Mitochondrial Disease Variant Curation Expert Panel on August 22, 2023. Mitochondrial DNA-specific ACMG/AMP criteria applied (PMID: 32906214): BP4, BP5.

Wong Mito Lab, Molecular and Human Genetics, Baylor College of Medicine
Classification: Benign for Leigh syndrome. Last evaluated: 2019-10-17. Review status: criteria provided, single submitter. Criteria: Modified ACMG Guidelines (Unpublished). Collection method: clinical testing. Allele origin: germline. Not counted in ClinVar's aggregate classification.
Comment: The NC_012920.1:m.13528A>G (YP_003024036.1:p.Thr398Ala) variant in MTND5 gene is interpretated to be a Benign variant based on the modified ACMG guidelines (unpublished). This variant meets the following evidence codes: BS1, BS2, BP4

ARUP Laboratories, Molecular Genetics and Genomics, ARUP Laboratories
Classification: Uncertain significance. Last evaluated: 2017-11-17. Review status: criteria provided, single submitter. Criteria: ARUP Molecular Germline Variant Investigation Process. Collection method: clinical testing. Allele origin: germline. Not counted in ClinVar's aggregate classification.
Comment: The m.13528A>G variant (rs55882959) has been described in the literature as both a pathogenic and benign variant. It was originally observed in two unrelated patients diagnosed with Leber hereditary optic neuropathy (LHON) and was not found in 125 healthy controls (Batandier 2000). It has also been reported in patients diagnosed with mitochondrial encephalomyopathy, lactic acidosis, and stroke-like episodes (MELAS, McKenzie 2007) and in a different proband with LHON (Petruzzella 2012). Conversely, this variant has also been associated (along with g.13565C>T) with the U4b1b haplogroup (Herrnstadt 2002, Malyarchuk 2008), and is therefore present in presumably healthy individuals. In total, it is found 38 times over 6 total haplogroups in MITOMAP. Based on the available evidence, the m.13528A>G variant is unlikely to be a primary LHON variant; however, a contributory role for this variant to LHON expression cannot be excluded.

GeneReviews
No classification provided. Condition: MELAS syndrome. Review status: no classification provided. Collection method: literature only. Allele origin: maternal. Not counted in ClinVar's aggregate classification.

Literature cited by the submitters: PubMed 11102991 (cited by Wong Mito Lab, Molecular and Human Genetics, Baylor College of Medicine); PubMed 17940288 (cited by Wong Mito Lab, Molecular and Human Genetics, Baylor College of Medicine and GeneReviews).

NC_012920.1(MT-ND5):m.13528A>G

Gene: MT-ND5 (mitochondrially encoded NADH dehydrogenase 5; plus strand).
Variant type: single nucleotide variant.
Genome position: chrM-13528-A-G.
Identifiers: ClinVar variation 618218 (VCV000618218.11), dbSNP rs55882959, ClinGen allele CA337099716.
Genomic context (GRCh38, chrMT:13,528, plus strand): 5'-CTAGCATTAGCAGGAATACCTTTCCTCACAGGTTTCTACTCCAAAGACCACATCATCGAA[A>G]CCGCAAACATATCATACACAAACGCCTGAGCCCTATCTATTACTCTCATCGCTACCTCCC-3'